The following is an entry in ClinVar:

ClinVar aggregate classification (germline): Uncertain significance (1 of 4 stars; one submission).

Submission:

GeneDx
Classification: Uncertain significance. Last evaluated: 2022-07-11. Review status: criteria provided, single submitter. Criteria: GeneDx Variant Classification Process June 2021. Collection method: clinical testing. Allele origin: germline. Affected: yes.
Comment: Not observed at significant frequency in large population cohorts (gnomAD); In silico analysis supports that this missense variant has a deleterious effect on protein structure/function; Has not been previously published as pathogenic or benign to our knowledge

NM_001042492.3(NF1):c.460T>C (p.Phe154Leu)

Gene: NF1 (neurofibromin 1; plus strand). Cytogenetic location: 17q11.2.
Variant type: single nucleotide variant.
Coding change: c.460T>C on transcript NM_001042492.3 (MANE Select); coding-DNA position 460, T replaced by C.
Protein change: p.Phe154Leu; replaces phenylalanine 154 with leucine.
Molecular consequence: missense variant.
Genome position (GRCh38, 1-based): chr17:31,163,357, T>C. VCF-style: chr17-31163357-T-C. GRCh37 (hg19) VCF-style: chr17-29490375-T-C.
Other names: c.460T>C, p.Phe154Leu (NM_000267.4, NM_001128147.3); short protein forms F154L.
Identifiers: ClinVar variation 1878744 (VCV001878744.1), dbSNP rs2143673736, ClinGen allele CA398982121.